The following is an entry in ClinVar:

ClinVar aggregate classification (germline): Pathogenic. Review status: criteria provided, multiple submitters, no conflicts (2 of 4 stars). 5 submissions from 5 submitters: Pathogenic (5). Last evaluated 2025-11-23.

Conditions:
Methylmalonic aciduria due to methylmalonyl-CoA mutase deficiency (MAMM). Also called: Methylmalonic aciduria, mut type. Identifiers: Orphanet 27, MedGen C1855114, MONDO:0009612, OMIM 251000.
Methylmalonic aciduria due to complete methylmalonyl-CoA mutase deficiency.

gnomAD v4.1: 5 of 1,597,424 alleles (0.00031%); highest among the groups gnomAD compares: Non-Finnish European, 0.00042%; no homozygotes.

Submissions (5):

Labcorp Genetics (formerly Invitae), Labcorp
Classification: Pathogenic. Last evaluated: 2025-11-23. Review status: criteria provided, single submitter. Criteria: Invitae Variant Classification Sherloc (09022015). Collection method: clinical testing. Allele origin: germline.
Comment: This sequence change affects an acceptor splice site in intron 1 of the MUT gene. It is expected to disrupt RNA splicing. Variants that disrupt the donor or acceptor splice site typically lead to a loss of protein function (PMID: 16199547), and loss-of-function variants in MUT are known to be pathogenic (PMID: 15781192). This variant is not present in population databases (gnomAD no frequency). Disruption of this splice site has been observed in individual(s) with methylmalonic aciduria (PMID: 27167370). ClinVar contains an entry for this variant (Variation ID: 222905). Algorithms developed to predict the effect of sequence changes on RNA splicing suggest that this variant may disrupt the consensus splice site. For these reasons, this variant has been classified as Pathogenic.

Natera, Inc.
Classification: Pathogenic for Methylmalonic aciduria due to complete methylmalonyl-CoA mutase deficiency. Last evaluated: 2024-08-22. Review status: criteria provided, single submitter. Criteria: Natera Variant Classification Schema (03/2026). Collection method: clinical testing. Allele origin: germline.
Comment: The c.-39-1G>A variant in MMUT is a 5' untranslated region (UTR) variant located upstream of the translation start codon. This variant is expected to result in nonsense mediated decay, truncation, or a dysfunctional protein product. This variant is rare in the general population with a frequency below the threshold expected for the associated phenotype(s). This variant has been observed in one or more individuals affected with the associated recessive disease, as either homozygous or compound heterozygous with a second variant (PMID: 27167370, 36717752). Given the available evidence, this variant is classified as Pathogenic.

Eurofins Ntd Llc (ga)
Classification: Pathogenic. Last evaluated: 2017-11-22. Review status: criteria provided, single submitter. Criteria: EGL Classification Definitions 2015. Collection method: clinical testing. Allele origin: germline. Observed: 1 variant allele, 1 heterozygote.

GeneDx
Classification: Pathogenic. Last evaluated: 2017-10-23. Review status: criteria provided, single submitter. Criteria: GeneDx Variant Classification (06012015). Collection method: clinical testing. Allele origin: germline. Affected: yes.
Comment: The c.-39-1 G>A variant has been reported previously in a patient with methylmalonic acidemia and is classified as a severe mut0 variant resulting in no functional protein (Forny et al. 2016). The c.-39-1 G>A variant is not observed in large population cohorts (Lek et al., 2016). The c.-39-1 G>A variant is predicted to destroy the canonical splice acceptor site in intron 1, and is expected to cause abnormal gene splicing. In summary, we interpret this variant as pathogenic.

University Children's Hospital, University of Zurich
Classification: Pathogenic for Methylmalonic aciduria due to methylmalonyl-CoA mutase deficiency. Review status: criteria provided, single submitter. Criteria: Forny et al. (Hum Mutat. 2016). Collection method: clinical testing. Allele origin: germline. Inheritance: Autosomal recessive inheritance. Affected: yes.

Literature cited by the submitters: PubMed 16199547 (cited by Labcorp Genetics (formerly Invitae), Labcorp); PubMed 15781192 (cited by Labcorp Genetics (formerly Invitae), Labcorp); PubMed 27167370 (cited by Labcorp Genetics (formerly Invitae), Labcorp and Natera, Inc.); PubMed 36717752 (cited by Natera, Inc.); PubMed 25736335 (cited by University Children's Hospital, University of Zurich).

NM_000255.4(MMUT):c.-39-1G>A

Gene: MMUT (methylmalonyl-CoA mutase; minus strand). Cytogenetic location: 6p12.3.
Variant type: single nucleotide variant.
Coding change: c.-39-1G>A on transcript NM_000255.4 (MANE Select); the canonical splice acceptor site of the intron before 39 bases upstream of the start codon, G replaced by A.
Molecular consequence: splice acceptor variant.
Genome position (GRCh38, 1-based): chr6:49,459,506, C>T on the plus strand (G>A on the coding strand, the complement: MMUT is on the minus strand). VCF-style: chr6-49459506-C-T. GRCh37 (hg19) VCF-style: chr6-49427219-C-T.
Identifiers: ClinVar variation 222905 (VCV000222905.14), dbSNP rs879253822, ClinGen allele CA10575891.